The following is an entry in ClinVar:

NM_002103.5(GYS1):c.1922C>T (p.Ser641Leu)

Gene: GYS1 (glycogen synthase 1; minus strand). Cytogenetic location: 19q13.33.
Variant type: single nucleotide variant.
Coding change: c.1922C>T on transcript NM_002103.5 (MANE Select); coding-DNA position 1922, C replaced by T.
Protein change: p.Ser641Leu; replaces serine 641 with leucine.
Molecular consequence: missense variant. On other transcripts: non-coding transcript variant (1).
Genome position (GRCh38, 1-based): chr19:48,969,580, G>A on the plus strand (C>T on the coding strand, the complement: GYS1 is on the minus strand). VCF-style: chr19-48969580-G-A. GRCh37 (hg19) VCF-style: chr19-49472837-G-A.
Other names: c.1730C>T, p.Ser577Leu (NM_001161587.2); c.1922C>T (NM_002103.4); short protein forms S641L, S577L.
Identifiers: ClinVar variation 916245 (VCV000916245.45), dbSNP rs137913986, ClinGen allele CA9562725.

ClinVar aggregate classification (germline): Uncertain significance. Review status: criteria provided, multiple submitters, no conflicts (2 of 4 stars). 3 submissions from 3 submitters: Uncertain significance (3). Last evaluated 2023-12-07.

Conditions:
Glycogen storage disease due to muscle and heart glycogen synthase deficiency. Also called: GSD 0b; MUSCLE GLYCOGEN SYNTHASE DEFICIENCY. Identifiers: Orphanet 137625, MedGen C1969054, MONDO:0012693, OMIM 611556.
Inborn genetic diseases. Identifiers: MedGen C0950123, MeSH D030342.

Allele frequency attached by ClinVar (database versions not stated): gnomAD exomes 0.00001 and 0.00003; gnomAD 0.00004 and 0.00005; ExAC 0.00006; ESP Exome Variant Server 0.00008; TOPMed 0.00008.
gnomAD v4.1: 18 of 1,538,078 alleles (0.0012%); highest among the groups gnomAD compares: African/African-American, 0.011%; no homozygotes.

Submissions (3):

Labcorp Genetics (formerly Invitae), Labcorp
Classification: Uncertain significance for Glycogen storage disease due to muscle and heart glycogen synthase deficiency. Last evaluated: 2023-12-07. Review status: criteria provided, single submitter. Criteria: Invitae Variant Classification Sherloc (09022015). Collection method: clinical testing. Allele origin: germline.
Comment: This sequence change replaces serine, which is neutral and polar, with leucine, which is neutral and non-polar, at codon 641 of the GYS1 protein (p.Ser641Leu). This variant is present in population databases (rs137913986, gnomAD 0.03%). This variant has not been reported in the literature in individuals affected with GYS1-related conditions. ClinVar contains an entry for this variant (Variation ID: 916245). Advanced modeling of protein sequence and biophysical properties (such as structural, functional, and spatial information, amino acid conservation, physicochemical variation, residue mobility, and thermodynamic stability) performed at Invitae indicates that this missense variant is expected to disrupt GYS1 protein function with a positive predictive value of 80%. In summary, the available evidence is currently insufficient to determine the role of this variant in disease. Therefore, it has been classified as a Variant of Uncertain Significance.

Ambry Genetics
Classification: Uncertain significance for Inborn genetic diseases. Last evaluated: 2023-03-20. Review status: criteria provided, single submitter. Criteria: Ambry Variant Classification Scheme 2023. Collection method: clinical testing. Allele origin: germline.

CeGaT Center for Human Genetics Tuebingen
Classification: Uncertain significance. Last evaluated: 2020-02-01. Review status: criteria provided, single submitter. Criteria: CeGaT Center For Human Genetics Tuebingen Variant Classification Criteria Version 2. Collection method: clinical testing. Allele origin: germline. Affected: yes. Observed: 1 variant allele.